The following is an entry in ClinVar:

NM_153603.4(COG7):c.1499A>G (p.Tyr500Cys)

Gene: COG7 (component of oligomeric golgi complex 7; minus strand). Cytogenetic location: 16p12.2.
Variant type: single nucleotide variant.
Coding change: c.1499A>G on transcript NM_153603.4 (MANE Select); coding-DNA position 1499, A replaced by G.
Protein change: p.Tyr500Cys; replaces tyrosine 500 with cysteine.
Molecular consequence: missense variant.
Genome position (GRCh38, 1-based): chr16:23,406,239, T>C on the plus strand (A>G on the coding strand, the complement: COG7 is on the minus strand). VCF-style: chr16-23406239-T-C. GRCh37 (hg19) VCF-style: chr16-23417560-T-C.
Other names: c.1499A>G (NM_153603.3); short protein forms Y500C.
Identifiers: ClinVar variation 1020522 (VCV001020522.29), dbSNP rs146603761, ClinGen allele CA7960944.

ClinVar aggregate classification (germline): Uncertain significance. Review status: criteria provided, multiple submitters, no conflicts (2 of 4 stars). 5 submissions from 5 submitters: Uncertain significance (5). Last evaluated 2026-01-05.

Conditions:
COG7 congenital disorder of glycosylation (CDG2E). Also called: CONGENITAL DISORDER OF GLYCOSYLATION, TYPE IIe; CDG IIe. Identifiers: Orphanet 79333, MedGen C2931010, MONDO:0012118, OMIM 608779.

Allele frequency attached by ClinVar (database versions not stated): gnomAD 0.00014 and 0.00022; ESP Exome Variant Server 0.00015; gnomAD exomes 0.00022 and 0.00025; TOPMed 0.00022; ExAC 0.00032; 1000 Genomes Project 0.00060; 1000 Genomes Project 30x 0.00062.
gnomAD v4.1: 376 of 1,614,130 alleles (0.023%); highest among the groups gnomAD compares: Middle Eastern, 0.17%; no homozygotes.

Submissions (5):

Labcorp Genetics (formerly Invitae), Labcorp
Classification: Uncertain significance for COG7 congenital disorder of glycosylation. Last evaluated: 2026-01-05. Review status: criteria provided, single submitter. Criteria: Invitae Variant Classification Sherloc (09022015). Collection method: clinical testing. Allele origin: germline.
Comment: This sequence change replaces tyrosine, which is neutral and polar, with cysteine, which is neutral and slightly polar, at codon 500 of the COG7 protein (p.Tyr500Cys). This variant is present in population databases (rs146603761, gnomAD 0.1%). This variant has not been reported in the literature in individuals affected with COG7-related conditions. ClinVar contains an entry for this variant (Variation ID: 1020522). Invitae Evidence Modeling of protein sequence and biophysical properties (such as structural, functional, and spatial information, amino acid conservation, physicochemical variation, residue mobility, and thermodynamic stability) indicates that this missense variant is not expected to disrupt COG7 protein function with a negative predictive value of 80%. In summary, the available evidence is currently insufficient to determine the role of this variant in disease. Therefore, it has been classified as a Variant of Uncertain Significance.

GeneDx
Classification: Uncertain significance. Last evaluated: 2025-06-26. Review status: criteria provided, single submitter. Criteria: GeneDx Variant Classification Process June 2021. Collection method: clinical testing. Allele origin: germline. Affected: yes.
Comment: In silico analysis suggests that this missense variant does not alter protein structure/function; Has been observed in a cohort of patients with congenital disorders of glycosylation who underwent molecular testing, however no segregation or patient specific details were provided in this report (PMID: 23806237); This variant is associated with the following publications: (PMID: 23806237)

Blueprint Genetics
Classification: Uncertain significance. Last evaluated: 2024-10-25. Review status: criteria provided, single submitter. Criteria: ACMG Guidelines, 2015. Collection method: clinical testing. Allele origin: germline.

Oxford Medical Genetics Laboratories, Oxford University Hospitals NHS Foundation Trust
Classification: Uncertain significance for COG7 congenital disorder of glycosylation. Last evaluated: 2023-03-23. Review status: criteria provided, single submitter. Criteria: ACMG Guidelines, 2015. Collection method: clinical testing. Allele origin: biparental. Affected: yes. Observed: 1 homozygote.

Fulgent Genetics
Classification: Uncertain significance for COG7 congenital disorder of glycosylation. Last evaluated: 2021-12-09. Review status: criteria provided, single submitter. Criteria: ACMG Guidelines, 2015. Collection method: clinical testing. Allele origin: unknown.